The following is an entry in ClinVar:

NM_000487.6(ARSA):c.1156C>T (p.Arg386Cys)

Gene: ARSA (arylsulfatase A; minus strand). Cytogenetic location: 22q13.33.
Variant type: single nucleotide variant.
Coding change: c.1156C>T on transcript NM_000487.6 (MANE Select); coding-DNA position 1156, C replaced by T.
Protein change: p.Arg386Cys; replaces arginine 386 with cysteine.
Molecular consequence: missense variant.
Genome position (GRCh38, 1-based): chr22:50,625,633, G>A on the plus strand (C>T on the coding strand, the complement: ARSA is on the minus strand). VCF-style: chr22-50625633-G-A. GRCh37 (hg19) VCF-style: chr22-51064061-G-A.
Other names: c.1156C>T, p.Arg386Cys (NM_001085425.3, NM_001085426.3, NM_001085427.3); c.898C>T, p.Arg300Cys (NM_001085428.3, NM_001362782.2); short protein forms R386C, R300C.
Identifiers: ClinVar variation 68115 (VCV000068115.15), dbSNP rs199476370, ClinGen allele CA218986.

ClinVar aggregate classification (germline): Conflicting classifications of pathogenicity. Review status: criteria provided, conflicting classifications (1 of 4 stars). 10 submissions from 10 submitters: Likely pathogenic (7); Uncertain significance (2). 1 of the submissions does not count toward it. Last evaluated 2026-09-01.

Conditions:
Metachromatic leukodystrophy (MLD). Also called: Cerebral sclerosis diffuse metachromatic form; Arylsulfatase A Deficiency; METACHROMATIC LEUKOENCEPHALOPATHY; SULFATIDE LIPIDOSIS; ARSA DEFICIENCY; CEREBROSIDE SULFATASE DEFICIENCY. Identifiers: Orphanet 512, MedGen C0023522, MONDO:0018868, OMIM 250100.

Allele frequency attached by ClinVar (database versions not stated): TOPMed 0.00002; ESP Exome Variant Server 0.00008; gnomAD 0.00001; ExAC 0.00002.

Submissions (10):

CeGaT Center for Human Genetics Tuebingen
Classification: Likely pathogenic. Last evaluated: 2026-09-01. Review status: criteria provided, single submitter. Criteria: CeGaT Center For Human Genetics Tuebingen Variant Classification Criteria Version 2. Collection method: clinical testing. Allele origin: germline. Affected: yes. Observed: 1 variant allele.
Comment: ARSA: PM3:Strong, PM2, PP4

Myriad Genetics, Inc.
Classification: Likely pathogenic for Metachromatic leukodystrophy. Last evaluated: 2026-08-04. Review status: criteria provided, single submitter. Criteria: Myriad Autosomal Dominant, Autosomal Recessive and X-Linked Classification Criteria (2023). Collection method: clinical testing. Allele origin: unknown.
Comment: NM_000487.5(ARSA):c.1156C>T(R386C) is a missense variant classified as likely pathogenic in the context of metachromatic leukodystrophy. R386C has been observed in cases with relevant disease (PMID: 9090526, 28762252). Relevant functional assessments of this variant are available in the literature (PMID: 37480112). R386C has been observed in referenced population frequency databases. In summary, NM_000487.5(ARSA):c.1156C>T(R386C) is a missense variant that has been observed more frequently in cases with the relevant disease than in healthy populations. Please note: this variant was assessed in the context of healthy population screening.

Labcorp Genetics (formerly Invitae), Labcorp
Classification: Likely pathogenic for Metachromatic leukodystrophy. Last evaluated: 2025-12-02. Review status: criteria provided, single submitter. Criteria: Invitae Variant Classification Sherloc (09022015). Collection method: clinical testing. Allele origin: germline.
Comment: This sequence change replaces arginine, which is basic and polar, with cysteine, which is neutral and slightly polar, at codon 386 of the ARSA protein (p.Arg386Cys). This variant is present in population databases (rs199476370, gnomAD 0.005%). This missense change has been observed in individual(s) with metachromatic leukodystrophy (PMID: 9090526, 28762252; internal data). In at least one individual the data is consistent with being in trans (on the opposite chromosome) from a pathogenic variant. This variant is also known as Arg384Cys. ClinVar contains an entry for this variant (Variation ID: 68115). Invitae Evidence Modeling of protein sequence and biophysical properties (such as structural, functional, and spatial information, amino acid conservation, physicochemical variation, residue mobility, and thermodynamic stability) has been performed for this missense variant. However, the output from this modeling did not meet the statistical confidence thresholds required to predict the impact of this variant on ARSA protein function. In summary, the currently available evidence indicates that the variant is pathogenic, but additional data are needed to prove that conclusively. Therefore, this variant has been classified as Likely Pathogenic.

Variantyx, Inc.
Classification: Likely pathogenic for Metachromatic leukodystrophy. Last evaluated: 2025-08-15. Review status: criteria provided, single submitter. Criteria: Variantyx Assertion Criteria 2022. Collection method: clinical testing. Allele origin: germline. Inheritance: Autosomal recessive inheritance.
Comment: This is a nonsynonymous variant in the ARSA gene (OMIM: 607574). Pathogenic variants in this gene have been associated with autosomal recessive metachromatic leukodystrophy. This variant has been identified in the homozygous or compound heterozygous state in the current proband and at least two individuals reported in the published literature (PMID: 9090526, 28762252) (PM3_Strong). Computational algorithms produce conflicting evidence regarding the predicted functional impact of this variant (REVEL score: 0.538), but the alteration lies within a known hotspot for pathogenic variants or a well-established critical functional domain of the ARSA protein (PM1). This variant has a 0.0040% maximum allele frequency in non-founder control populations (PM2). Based on the current evidence, this variant is classified as likely pathogenic for autosomal recessive metachromatic leukodystrophy.

Institute of Human Genetics, University of Leipzig Medical Center
Classification: Likely pathogenic for Metachromatic leukodystrophy. Last evaluated: 2025-03-20. Review status: criteria provided, single submitter. Criteria: ACMG Guidelines, 2015. Collection method: clinical testing. Allele origin: unknown. Inheritance: Autosomal recessive inheritance. Affected: yes.
Comment: Criteria applied: PM2,PM3,PP3,PP4

GeneDx
Classification: Uncertain significance. Last evaluated: 2024-05-01. Review status: criteria provided, single submitter. Criteria: GeneDx Variant Classification Process June 2021. Collection method: clinical testing. Allele origin: germline. Affected: yes.
Comment: Reported previously in a patient with juvenile metachromatic leukodystrophy, who also harbored a second variant (phase unknown); of note, this variant was reported using alternate nomenclature of p.(R384C) (PMID: 9090526); In silico analysis indicates that this missense variant does not alter protein structure/function; Not observed at significant frequency in large population cohorts (gnomAD); This variant is associated with the following publications: (PMID: 28762252, 9090526)

Genomic Medicine Center of Excellence, King Faisal Specialist Hospital and Research Centre
Classification: Likely pathogenic for Metachromatic leukodystrophy. Last evaluated: 2024-03-29. Review status: criteria provided, single submitter. Criteria: ACMG Guidelines, 2015. Collection method: clinical testing. Allele origin: germline.

Women's Health and Genetics/Laboratory Corporation of America, LabCorp
Classification: Uncertain significance. Last evaluated: 2023-09-06. Review status: criteria provided, single submitter. Criteria: LabCorp Variant Classification Summary - May 2015. Collection method: clinical testing. Allele origin: germline.
Comment: Variant summary: ARSA c.1156C>T (p.Arg386Cys) results in a non-conservative amino acid change in the encoded protein sequence. Two of four in-silico tools predict a benign effect of the variant on protein function. The variant allele was found at a frequency of 1.2e-05 in 251092 control chromosomes (gnomAD). c.1156C>T has been reported in the literature in individuals affected with Metachromatic Leukodystrophy (examples: Draghia_1997 and Bohringer_2017). These data indicate that the variant may be associated with disease. To our knowledge, no experimental evidence demonstrating an impact on protein function has been reported. The following publications have been ascertained in the context of this evaluation (PMID: 28762252, 9090526). Two submitters have cited clinical-significance assessments for this variant to ClinVar after 2014. All submitters classified the variant as likely pathogenic. Based on the evidence outlined above, the variant was classified as VUS-possibly pathogenic.

Baylor Genetics
Classification: Likely pathogenic for Metachromatic leukodystrophy. Last evaluated: 2020-05-05. Review status: criteria provided, single submitter. Criteria: ACMG Guidelines, 2015. Collection method: clinical testing. Allele origin: unknown. Affected: yes.
Comment: This variant was determined to be likely pathogenic according to ACMG Guidelines, 2015 [PMID:25741868].

UniProtKB/Swiss-Prot
No classification provided. Review status: no classification provided. Collection method: not provided. Allele origin: not provided. Not counted in ClinVar's aggregate classification.

Literature cited by the submitters: PubMed 28762252 (cited by 4 submitters); PubMed 37480112 (cited by Myriad Genetics, Inc.); PubMed 9090526 (cited by 4 submitters).